The following is an entry in ClinVar:

NM_000540.3(RYR1):c.2592C>T (p.Pro864=)

Gene: RYR1 (ryanodine receptor 1; plus strand). Cytogenetic location: 19q13.2.
Variant type: single nucleotide variant.
Coding change: c.2592C>T on transcript NM_000540.3 (MANE Select); coding-DNA position 2592, C replaced by T.
Protein change: p.Pro864=; no amino-acid change (proline 864 retained).
Molecular consequence: synonymous variant.
Genome position (GRCh38, 1-based): chr19:38,463,437, C>T. VCF-style: chr19-38463437-C-T. GRCh37 (hg19) VCF-style: chr19-38954077-C-T.
Other names: c.2592C>T, p.Pro864= (NM_001042723.2).
Identifiers: ClinVar variation 2913670 (VCV002913670.4), dbSNP rs199541173, ClinGen allele CA063567.

ClinVar aggregate classification (germline): Likely benign. Review status: criteria provided, multiple submitters, no conflicts (2 of 4 stars). 2 submissions from 2 submitters: Likely benign (2). Last evaluated 2023-11-20.

Conditions:
RYR1-related disorder. Also called: RYR1-related disorders; RYR1-related condition. Identifiers: MedGen CN239331.
Malignant hyperthermia, susceptibility to, 1 (MHS1). Also called: Malignant hyperthermia suceptibility 1; Anesthesia related hyperthermia; Malignant hyperpyrexia; Fulminating hyperpyrexia; Pharmacogenic myopathy; RYR1-Related Malignant Hyperthermia Susceptibility. Identifiers: Orphanet 423, MedGen C2930980, MONDO:0007783, OMIM 145600.

Allele frequency attached by ClinVar (database versions not stated): gnomAD exomes 0.00001; ExAC 0.00002.
gnomAD v4.1: 12 of 1,613,934 alleles (0.00074%); highest among the groups gnomAD compares: Non-Finnish European, 0.001%; no homozygotes.

Submissions (2):

All of Us Research Program, National Institutes of Health
Classification: Likely benign for Malignant hyperthermia, susceptibility to, 1. Last evaluated: 2023-11-20. Review status: criteria provided, single submitter. Criteria: ACMG Guidelines, 2015. Collection method: clinical testing. Allele origin: germline. Inheritance: Autosomal dominant inheritance. Observed: 1 variant allele, 1 heterozygote.
Comment: This study involves interpretation of variants in research participants for the purpose of population health screening. Participant phenotype was not available at the time of variant classification. Additional details can be found in publication PMID: 35346344, PMCID: PMC8962531

Labcorp Genetics (formerly Invitae), Labcorp
Classification: Likely benign for RYR1-related disorder. Last evaluated: 2023-01-21. Review status: criteria provided, single submitter. Criteria: Invitae Variant Classification Sherloc (09022015). Collection method: clinical testing. Allele origin: germline.